The following is an entry in ClinVar:

ClinVar aggregate classification (germline): Conflicting classifications of pathogenicity. Review status: criteria provided, conflicting classifications (1 of 4 stars). 2 submissions from 2 submitters: Likely pathogenic (1); Uncertain significance (1). Last evaluated 2026-06-11.

Conditions:
Lysosomal storage disease. Also called: Lysosomal storage disorder. Identifiers: Orphanet 68366, MedGen C0085078, MONDO:0002561.

gnomAD v4.1: 39 of 1,596,318 alleles (0.0024%); highest among the groups gnomAD compares: Non-Finnish European, 0.0033%; no homozygotes.

Submissions (2):

Genetics Laboratory, Great Ormond Street Hospital NHS Foundation Trust, North Thames Genomic Laboratory Hub
Classification: Likely pathogenic for Lysosomal storage disorder. Last evaluated: 2026-06-11. Review status: criteria provided, single submitter. Criteria: ACGS Best Practice Guidelines for Variant Classification in Rare Disease 2024 v1.2. Collection method: clinical testing. Allele origin: germline. Affected: yes.
Comment: PM2_moderate, PVS1_strong

Mayo Clinic Laboratories, Mayo Clinic
Classification: Uncertain significance. Last evaluated: 2024-01-29. Review status: criteria provided, single submitter. Criteria: ACMG Guidelines, 2015. Collection method: clinical testing. Allele origin: germline. Observed: 1 variant allele.
Comment: PM2, PVS1_moderate

NM_177924.5(ASAH1):c.1099-1G>T

Gene: ASAH1 (N-acylsphingosine amidohydrolase 1; minus strand). Cytogenetic location: 8p22.
Variant type: single nucleotide variant.
Coding change: c.1099-1G>T on transcript NM_177924.5 (MANE Select); the canonical splice acceptor site of the intron before coding-DNA position 1099, G replaced by T.
Molecular consequence: splice acceptor variant.
Genome position (GRCh38, 1-based): chr8:18,057,624, C>A on the plus strand (G>T on the coding strand, the complement: ASAH1 is on the minus strand). VCF-style: chr8-18057624-C-A. GRCh37 (hg19) VCF-style: chr8-17915133-C-A.
Other names: c.1147-1G>T (NM_004315.6); c.1081-1G>T (NM_001127505.3); c.904-1G>T (NM_001363743.2).
Identifiers: ClinVar variation 3379801 (VCV003379801.2).